The following is an entry in ClinVar:

NC_000007.13:g.(?_142459605)_(142460871_?)del

Genes: PRSS1 (serine protease 1; plus strand), TRB (T cell receptor beta locus; plus strand). Cytogenetic location: 7q34.
Variant type: Deletion.
Identifiers: ClinVar variation 3245714 (VCV003245714.1).

ClinVar aggregate classification (germline): Uncertain significance (1 of 4 stars; one submission).

Conditions:
Hereditary pancreatitis (PCTT). Also called: PRSS1-Related Hereditary Pancreatitis; Hereditary chronic pancreatitis. Identifiers: Orphanet 676, MedGen C0238339, MONDO:0008185, OMIM 167800.

Submission:

Labcorp Genetics (formerly Invitae), Labcorp
Classification: Uncertain significance for Hereditary pancreatitis. Last evaluated: 2022-11-15. Review status: criteria provided, single submitter. Criteria: Invitae Variant Classification Sherloc (09022015). Collection method: clinical testing. Allele origin: unknown.
Comment: In summary, the available evidence is currently insufficient to determine the role of this variant in disease. Therefore, it has been classified as a Variant of Uncertain Significance. Experimental studies and prediction algorithms are not available or were not evaluated, and the functional significance of this variant is currently unknown. This variant has not been reported in the literature in individuals affected with PRSS1-related conditions. This variant is a gross deletion of the genomic region encompassing exon(s) 3-5 of the PRSS1 gene, which includes the termination codon. This deletion extends beyond the assayed region for this gene and therefore may encompass additional genes. While this deletion is not anticipated to lead to nonsense mediated decay, it is expected to alter mRNA translation or result in a truncated protein product.